The following is an entry in ClinVar:

NM_007118.4(TRIO):c.521G>C (p.Ser174Thr)

Gene: TRIO (trio Rho guanine nucleotide exchange factor; plus strand). Cytogenetic location: 5p15.2.
Variant type: single nucleotide variant.
Coding change: c.521G>C on transcript NM_007118.4 (MANE Select); coding-DNA position 521, G replaced by C.
Protein change: p.Ser174Thr; replaces serine 174 with threonine.
Molecular consequence: missense variant. On other transcripts: non-coding transcript variant (1).
Genome position (GRCh38, 1-based): chr5:14,287,044, G>C. VCF-style: chr5-14287044-G-C. GRCh37 (hg19) VCF-style: chr5-14287153-G-C.
Other names: short protein forms S174T.
Identifiers: ClinVar variation 916264 (VCV000916264.40), dbSNP rs1736499897, ClinGen allele CA359203015.

ClinVar aggregate classification (germline): Uncertain significance (1 of 4 stars; one submission).

Submission:

CeGaT Center for Human Genetics Tuebingen
Classification: Uncertain significance. Last evaluated: 2023-01-01. Review status: criteria provided, single submitter. Criteria: CeGaT Center For Human Genetics Tuebingen Variant Classification Criteria Version 2. Collection method: clinical testing. Allele origin: germline. Affected: yes. Observed: 2 variant alleles.
Comment: TRIO: PM2